The following is an entry in ClinVar:

NM_000384.3(APOB):c.1511C>G (p.Pro504Arg)

Gene: APOB (apolipoprotein B; minus strand). Cytogenetic location: 2p24.1.
Variant type: single nucleotide variant.
Coding change: c.1511C>G on transcript NM_000384.3 (MANE Select); coding-DNA position 1511, C replaced by G.
Protein change: p.Pro504Arg; replaces proline 504 with arginine.
Molecular consequence: missense variant.
Genome position (GRCh38, 1-based): chr2:21,029,745, G>C on the plus strand (C>G on the coding strand, the complement: APOB is on the minus strand). VCF-style: chr2-21029745-G-C. GRCh37 (hg19) VCF-style: chr2-21252617-G-C.
Other names: short protein forms P504R.
Identifiers: ClinVar variation 1308874 (VCV001308874.6), dbSNP rs1053904822, ClinGen allele CA43525682.

ClinVar aggregate classification (germline): Uncertain significance. Review status: criteria provided, multiple submitters, no conflicts (2 of 4 stars). 2 submissions from 2 submitters: Uncertain significance (2). Last evaluated 2022-06-13.

Conditions:
Familial hypobetalipoproteinemia 1. Also called: APOB-Related Familial Hypobetalipoproteinemia; Hypobetalipoproteinemia, normotriglyceridemic; Acanthocytosis with hypobetalipoproteinemia. Identifiers: MedGen C4551990, MONDO:0014252, OMIM 615558.
Hypercholesterolemia, autosomal dominant, type B (FHCL2). Also called: Familial hypercholesterolemia 2; APOB-Related Familial Hypercholesterolemia, Autosomal Dominant; Familial Hypercholesterolemia Type B; Hyperlipoproteinemia Type IIb; APOLIPOPROTEIN B-100, FAMILIAL DEFECTIVE; APOLIPOPROTEIN B-100, FAMILIAL LIGAND-DEFECTIVE. Identifiers: MedGen C1704417, MONDO:0007751, OMIM 144010.

Allele frequency attached by ClinVar (database versions not stated): gnomAD exomes below 0.00001; gnomAD 0.00001.
gnomAD v4.1: 3 of 1,614,040 alleles (0.00019%); highest among the groups gnomAD compares: Non-Finnish European, 0.00025%; no homozygotes.

Submissions (2):

Labcorp Genetics (formerly Invitae), Labcorp
Classification: Uncertain significance for Familial hypobetalipoproteinemia 1; Hypercholesterolemia, autosomal dominant, type B. Last evaluated: 2022-06-13. Review status: criteria provided, single submitter. Criteria: Invitae Variant Classification Sherloc (09022015). Collection method: clinical testing. Allele origin: germline.
Comment: This sequence change replaces proline, which is neutral and non-polar, with arginine, which is basic and polar, at codon 504 of the APOB protein (p.Pro504Arg). Algorithms developed to predict the effect of missense changes on protein structure and function are either unavailable or do not agree on the potential impact of this missense change (SIFT: "Deleterious"; PolyPhen-2: "Probably Damaging"; Align-GVGD: "Class C0"). ClinVar contains an entry for this variant (Variation ID: 1308874). This variant has not been reported in the literature in individuals affected with APOB-related conditions. This variant is not present in population databases (gnomAD no frequency). In summary, the available evidence is currently insufficient to determine the role of this variant in disease. Therefore, it has been classified as a Variant of Uncertain Significance.

GeneDx
Classification: Uncertain significance. Last evaluated: 2019-10-04. Review status: criteria provided, single submitter. Criteria: GeneDx Variant Classification Process June 2021. Collection method: clinical testing. Allele origin: germline. Affected: yes.
Comment: In silico analysis, which includes protein predictors and evolutionary conservation, supports a deleterious effect; Has not been previously published as pathogenic or benign to our knowledge